The following is an entry in ClinVar:

ClinVar aggregate classification (germline): Uncertain significance (1 of 4 stars; one submission).

gnomAD v4.1: 4 of 1,614,052 alleles (0.00025%); highest among the groups gnomAD compares: Admixed American, 0.005%; no homozygotes.

Submission:

GeneDx
Classification: Uncertain significance. Last evaluated: 2024-06-25. Review status: criteria provided, single submitter. Criteria: GeneDx Variant Classification Process June 2021. Collection method: clinical testing. Allele origin: germline. Affected: yes.
Comment: In silico analysis supports that this missense variant has a deleterious effect on protein structure/function; Has not been previously published as pathogenic or benign to our knowledge

NM_020374.4(FERRY3):c.1280A>G (p.His427Arg)

Gene: FERRY3 (FERRY endosomal RAB5 effector complex subunit 3; minus strand). Cytogenetic location: 12p13.32.
Variant type: single nucleotide variant.
Coding change: c.1280A>G on transcript NM_020374.4 (MANE Select); coding-DNA position 1280, A replaced by G.
Protein change: p.His427Arg; replaces histidine 427 with arginine.
Molecular consequence: missense variant. On other transcripts: non-coding transcript variant (3).
Genome position (GRCh38, 1-based): chr12:4,500,298, T>C on the plus strand (A>G on the coding strand, the complement: FERRY3 is on the minus strand). VCF-style: chr12-4500298-T-C. GRCh37 (hg19) VCF-style: chr12-4609464-T-C.
Other names: c.1280A>G, p.His427Arg (NM_001304811.2); c.1151A>G, p.His384Arg (NM_001346153.2, NM_001346155.2); c.761A>G, p.His254Arg (NM_001346156.2); c.632A>G, p.His211Arg (NM_001346157.2); c.428A>G, p.His143Arg (NM_001352962.2); short protein forms H143R, H211R, H254R, H384R, H427R.
Identifiers: ClinVar variation 3392869 (VCV003392869.1).
Genomic context (GRCh38, chr12:4,500,298, plus strand): 5'-TCACGAGCAGTGATGTTTCCCGATTTCACATGGTCATCCACACAGAGATGGAAAGCAACA[T>C]GGATTTCTGAGAGATTAGAATGCCGTGTAATATAAAATTCCCCTGTGAACAATAAATACA-3'
Protein context (NP_065107.1, residues 417-437): ITRHSNLSEI[His427Arg]VAFHLCVDDH